The following is an entry in ClinVar:

ClinVar aggregate classification (germline): Likely pathogenic. Review status: criteria provided, single submitter (1 of 4 stars). 2 submissions from 2 submitters: Likely pathogenic (1). 1 of the submissions does not count toward it. Last evaluated 2023-10-27.

Conditions:
Primary hyperoxaluria type 3. Also called: PH III. Identifiers: Orphanet 416, Orphanet 93600, MedGen C3150878, MONDO:0013327, OMIM 613616. Disease mechanism: loss of function.

Submissions (2):

Clinical Biochemistry Laboratory, Health Services Laboratory
Classification: Likely pathogenic for Primary hyperoxaluria type 3. Last evaluated: 2023-10-27. Review status: criteria provided, single submitter. Criteria: ACMG Guidelines, 2015. Collection method: curation. Allele origin: germline. Affected: yes.
Comment: ACMG:PM1 PM2 PM3 PP3

Chinese Inherited Urolithiasis Consortium, The Affiliated Yantai Yuhuangding Hospital of Qingdao University
Classification: Likely pathogenic for Primary hyperoxaluria type 3. Last evaluated: 2024-08-26. Review status: no assertion criteria provided. Collection method: clinical testing. Allele origin: paternal. Affected: yes. Observed: 1 variant allele. Not counted in ClinVar's aggregate classification.

Literature cited by the submitters: PubMed 31123811 (cited by Clinical Biochemistry Laboratory, Health Services Laboratory).

NM_138413.4(HOGA1):c.895G>C (p.Gly299Arg)

Gene: HOGA1 (4-hydroxy-2-oxoglutarate aldolase 1; plus strand). Cytogenetic location: 10q24.2.
Variant type: single nucleotide variant.
Coding change: c.895G>C on transcript NM_138413.4 (MANE Select); coding-DNA position 895, G replaced by C.
Protein change: p.Gly299Arg; replaces glycine 299 with arginine.
Molecular consequence: missense variant.
Genome position (GRCh38, 1-based): chr10:97,611,570, G>C. VCF-style: chr10-97611570-G-C. GRCh37 (hg19) VCF-style: chr10-99371327-G-C.
Other names: NM_001134670.1:c.418C>T; c.406G>C, p.Gly136Arg (NM_001134670.2); short protein forms G136R, G299R.
Identifiers: ClinVar variation 2664411 (VCV002664411.3), dbSNP rs2540086673, ClinGen allele CA377983490.
Genomic context (GRCh38, chr10:97,611,570, plus strand): 5'-GTGACCCGGCGCTTTGGGATCCCAGGGCTGAAGAAAATCATGGACTGGTTTGGCTACTAT[G>C]GAGGCCCCTGCCGCGCCCCCTTGCAGGAGCTGAGCCCCGCTGAGGAGGAGGCACTGCGCA-3'
Protein context (NP_612422.2, residues 289-309): KKIMDWFGYY[Gly299Arg]GPCRAPLQEL